The following is an entry in ClinVar:

NM_020461.4(TUBGCP6):c.3370G>A (p.Val1124Met)

Gene: TUBGCP6 (tubulin gamma complex component 6; minus strand). Cytogenetic location: 22q13.33.
Variant type: single nucleotide variant.
Coding change: c.3370G>A on transcript NM_020461.4 (MANE Select); coding-DNA position 3370, G replaced by A.
Protein change: p.Val1124Met; replaces valine 1124 with methionine.
Molecular consequence: missense variant.
Genome position (GRCh38, 1-based): chr22:50,220,989, C>T on the plus strand (G>A on the coding strand, the complement: TUBGCP6 is on the minus strand). VCF-style: chr22-50220989-C-T. GRCh37 (hg19) VCF-style: chr22-50659418-C-T.
Other names: short protein forms V1124M.
Identifiers: ClinVar variation 941717 (VCV000941717.9), dbSNP rs1255792098, ClinGen allele CA412183043.

ClinVar aggregate classification (germline): Uncertain significance (1 of 4 stars; one submission).

Submission:

Labcorp Genetics (formerly Invitae), Labcorp
Classification: Uncertain significance. Last evaluated: 2019-09-07. Review status: criteria provided, single submitter. Criteria: Invitae Variant Classification Sherloc (09022015). Collection method: clinical testing. Allele origin: germline.
Comment: In summary, the available evidence is currently insufficient to determine the role of this variant in disease. Therefore, it has been classified as a Variant of Uncertain Significance. Algorithms developed to predict the effect of missense changes on protein structure and function output the following: SIFT: "Deleterious"; PolyPhen-2: "Not available"; Align-GVGD: "Class C0". The methionine amino acid residue is found in multiple mammalian species, suggesting that this missense change does not adversely affect protein function. These predictions have not been confirmed by published functional studies and their clinical significance is uncertain. This variant has not been reported in the literature in individuals with TUBGCP6-related conditions. This variant is not present in population databases (ExAC no frequency). This sequence change replaces valine with methionine at codon 1124 of the TUBGCP6 protein (p.Val1124Met). The valine residue is weakly conserved and there is a small physicochemical difference between valine and methionine.